The following is an entry in ClinVar:

ClinVar aggregate classification (germline): Uncertain significance (1 of 4 stars; one submission).

Conditions:
LAMA2-related muscular dystrophy (LAMA2-RD). Also called: Laminin alpha 2-related dystrophy. Identifiers: MedGen C5679788, MONDO:0100228.

Allele frequency attached by ClinVar (database versions not stated): gnomAD exomes below 0.00001; TOPMed below 0.00001; gnomAD 0.00001.
gnomAD v4.1: 2 of 1,613,944 alleles (0.00012%); highest among the groups gnomAD compares: African/African-American, 0.0027%; no homozygotes.

Submission:

Labcorp Genetics (formerly Invitae), Labcorp
Classification: Uncertain significance for LAMA2-related muscular dystrophy. Last evaluated: 2022-10-05. Review status: criteria provided, single submitter. Criteria: Invitae Variant Classification Sherloc (09022015). Collection method: clinical testing. Allele origin: germline.
Comment: This sequence change replaces valine, which is neutral and non-polar, with isoleucine, which is neutral and non-polar, at codon 991 of the LAMA2 protein (p.Val991Ile). This variant is present in population databases (no rsID available, gnomAD 0.007%). This variant has not been reported in the literature in individuals affected with LAMA2-related conditions. ClinVar contains an entry for this variant (Variation ID: 1366792). Advanced modeling of protein sequence and biophysical properties (such as structural, functional, and spatial information, amino acid conservation, physicochemical variation, residue mobility, and thermodynamic stability) performed at Invitae indicates that this missense variant is not expected to disrupt LAMA2 protein function. In summary, the available evidence is currently insufficient to determine the role of this variant in disease. Therefore, it has been classified as a Variant of Uncertain Significance.

NM_000426.4(LAMA2):c.2971G>A (p.Val991Ile)

Gene: LAMA2 (laminin subunit alpha 2; plus strand). Cytogenetic location: 6q22.33.
Variant type: single nucleotide variant.
Coding change: c.2971G>A on transcript NM_000426.4 (MANE Select); coding-DNA position 2971, G replaced by A.
Protein change: p.Val991Ile; replaces valine 991 with isoleucine.
Molecular consequence: missense variant.
Genome position (GRCh38, 1-based): chr6:129,297,799, G>A. VCF-style: chr6-129297799-G-A. GRCh37 (hg19) VCF-style: chr6-129618944-G-A.
Other names: c.2971G>A, p.Val991Ile (NM_001079823.2); short protein forms V991I.
Identifiers: ClinVar variation 1366792 (VCV001366792.6), dbSNP rs1374537851, ClinGen allele CA365611153.